The following is an entry in ClinVar:

NM_022356.4(P3H1):c.951T>A (p.Tyr317Ter)

Gene: P3H1 (prolyl 3-hydroxylase 1; minus strand). Cytogenetic location: 1p34.2.
Variant type: single nucleotide variant.
Coding change: c.951T>A on transcript NM_022356.4 (MANE Select); coding-DNA position 951, T replaced by A.
Protein change: p.Tyr317Ter; replaces tyrosine 317 with a stop codon.
Molecular consequence: nonsense.
Genome position (GRCh38, 1-based): chr1:42,757,912, A>T on the plus strand (T>A on the coding strand, the complement: P3H1 is on the minus strand). VCF-style: chr1-42757912-A-T. GRCh37 (hg19) VCF-style: chr1-43223583-A-T.
Other names: c.951T>A, p.Tyr317Ter (NM_001146289.2, NM_001243246.2); short protein forms Y317*.
Identifiers: ClinVar variation 2703233 (VCV002703233.3), dbSNP rs758079491, ClinGen allele CA339959091.
Genomic context (GRCh38, chr1:42,757,912, plus strand): 5'-CATCACCTCGTCATTGGGGAAGAAGAGAAGATAGGTCTTGGCACATTCAACAGCCTGTGT[A>T]TAATTCCCAACTGCAAAGTGGAAAGAAGAATGGCTGAGAGGAAAGAGTCAAAAGGAAAGG-3'

ClinVar aggregate classification (germline): Pathogenic (1 of 4 stars; one submission).

Conditions:
Osteogenesis imperfecta type 8 (OI8). Identifiers: MedGen C1970458, MONDO:0012581, OMIM 610915.

Submission:

Labcorp Genetics (formerly Invitae), Labcorp
Classification: Pathogenic for Osteogenesis imperfecta type 8. Last evaluated: 2023-12-14. Review status: criteria provided, single submitter. Criteria: Invitae Variant Classification Sherloc (09022015). Collection method: clinical testing. Allele origin: germline.
Comment: This sequence change creates a premature translational stop signal (p.Tyr317*) in the P3H1 gene. It is expected to result in an absent or disrupted protein product. Loss-of-function variants in P3H1 are known to be pathogenic (PMID: 17277775, 18566967, 19088120, 22281939). This variant is not present in population databases (gnomAD no frequency). This variant has not been reported in the literature in individuals affected with P3H1-related conditions. For these reasons, this variant has been classified as Pathogenic.

Literature cited by the submitters: PubMed 17277775; PubMed 18566967; PubMed 19088120; PubMed 22281939.